The following is an entry in ClinVar:

ClinVar aggregate classification (germline): Uncertain significance (1 of 4 stars; one submission).

Submission:

Labcorp Genetics (formerly Invitae), Labcorp
Classification: Uncertain significance. Last evaluated: 2025-03-25. Review status: criteria provided, single submitter. Criteria: Invitae Variant Classification Sherloc (09022015). Collection method: clinical testing. Allele origin: germline.
Comment: This sequence change replaces isoleucine, which is neutral and non-polar, with asparagine, which is neutral and polar, at codon 584 of the COL9A2 protein (p.Ile584Asn). This variant is not present in population databases (gnomAD no frequency). This variant has not been reported in the literature in individuals affected with COL9A2-related conditions. Invitae Evidence Modeling of protein sequence and biophysical properties (such as structural, functional, and spatial information, amino acid conservation, physicochemical variation, residue mobility, and thermodynamic stability) indicates that this missense variant is not expected to disrupt COL9A2 protein function with a negative predictive value of 95%. In summary, the available evidence is currently insufficient to determine the role of this variant in disease. Therefore, it has been classified as a Variant of Uncertain Significance.

NM_001852.4(COL9A2):c.1751T>A (p.Ile584Asn)

Gene: COL9A2 (collagen type IX alpha 2 chain; minus strand). Cytogenetic location: 1p34.2.
Variant type: single nucleotide variant.
Coding change: c.1751T>A on transcript NM_001852.4 (MANE Select); coding-DNA position 1751, T replaced by A.
Protein change: p.Ile584Asn; replaces isoleucine 584 with asparagine.
Molecular consequence: missense variant.
Genome position (GRCh38, 1-based): chr1:40,302,662, A>T on the plus strand (T>A on the coding strand, the complement: COL9A2 is on the minus strand). VCF-style: chr1-40302662-A-T. GRCh37 (hg19) VCF-style: chr1-40768334-A-T.
Other names: short protein forms I584N.
Identifiers: ClinVar variation 4799880 (VCV004799880.1).